The following is an entry in ClinVar:

ClinVar aggregate classification (germline): Uncertain significance. Review status: criteria provided, multiple submitters, no conflicts (2 of 4 stars). 2 submissions from 2 submitters: Uncertain significance (2). Last evaluated 2026-03-20.

Conditions:
Neuroblastoma, susceptibility to, 3. Also called: ALK-Related Neuroblastic Tumor Susceptibility. Identifiers: Orphanet 635, MedGen C2751681, MONDO:0013083, OMIM 613014.
Hereditary cancer-predisposing syndrome. Also called: Hereditary neoplastic syndrome; Neoplastic Syndromes, Hereditary; Tumor predisposition; Hereditary Cancer Syndrome. Identifiers: Orphanet 140162, MedGen C0027672, MeSH D009386, MONDO:0015356.

Allele frequency attached by ClinVar (database versions not stated): TOPMed below 0.00001.

Submissions (2):

Ambry Genetics
Classification: Uncertain significance for Hereditary cancer-predisposing syndrome. Last evaluated: 2026-03-20. Review status: criteria provided, single submitter. Criteria: Ambry Variant Classification Scheme 2023. Collection method: clinical testing. Allele origin: germline.
Comment: The c.668-3C>T intronic variant results from a C to T substitution 3 nucleotides upstream from coding exon 2 in the ALK gene. This nucleotide position is well conserved in available vertebrate species. In silico splice site analysis predicts that this alteration will not have any significant effect on splicing. Based on the available evidence, the clinical significance of this variant remains unclear.

Labcorp Genetics (formerly Invitae), Labcorp
Classification: Uncertain significance for Neuroblastoma, susceptibility to, 3. Last evaluated: 2024-05-06. Review status: criteria provided, single submitter. Criteria: Invitae Variant Classification Sherloc (09022015). Collection method: clinical testing. Allele origin: germline.
Comment: This sequence change falls in intron 1 of the ALK gene. It does not directly change the encoded amino acid sequence of the ALK protein. It affects a nucleotide within the consensus splice site. This variant is not present in population databases (gnomAD no frequency). This variant has not been reported in the literature in individuals affected with ALK-related conditions. ClinVar contains an entry for this variant (Variation ID: 1039654). Variants that disrupt the consensus splice site are a relatively common cause of aberrant splicing (PMID: 17576681, 9536098). Algorithms developed to predict the effect of sequence changes on RNA splicing suggest that this variant is not likely to affect RNA splicing. In summary, the available evidence is currently insufficient to determine the role of this variant in disease. Therefore, it has been classified as a Variant of Uncertain Significance.

Literature cited by the submitters: PubMed 17576681 (cited by Labcorp Genetics (formerly Invitae), Labcorp); PubMed 9536098 (cited by Labcorp Genetics (formerly Invitae), Labcorp).

NM_004304.5(ALK):c.668-3C>T

Gene: ALK (ALK receptor tyrosine kinase; minus strand). Cytogenetic location: 2p23.2.
Variant type: single nucleotide variant.
Coding change: c.668-3C>T on transcript NM_004304.5 (MANE Select); 3 bases into the intron before coding-DNA position 668, C replaced by T.
Molecular consequence: intron variant.
Genome position (GRCh38, 1-based): chr2:29,717,700, G>A on the plus strand (C>T on the coding strand, the complement: ALK is on the minus strand). VCF-style: chr2-29717700-G-A. GRCh37 (hg19) VCF-style: chr2-29940566-G-A.
Other names: c.668-3C>T (NM_004304.4).
Identifiers: ClinVar variation 1039654 (VCV001039654.9), dbSNP rs1679303988, ClinGen allele CA1241325336.